The following is an entry in ClinVar:

ClinVar aggregate classification (germline): Uncertain significance. Review status: criteria provided, multiple submitters, no conflicts (2 of 4 stars). 6 submissions from 6 submitters: Uncertain significance (6). Last evaluated 2024-12-10.

Conditions:
Hereditary nonpolyposis colorectal neoplasms. Identifiers: MedGen C0009405, MeSH D003123.
Hereditary cancer-predisposing syndrome. Also called: Neoplastic Syndromes, Hereditary; Hereditary neoplastic syndrome; Tumor predisposition; Hereditary Cancer Syndrome. Identifiers: Orphanet 140162, MedGen C0027672, MeSH D009386, MONDO:0015356.
Lynch syndrome. Identifiers: Orphanet 144, MedGen C4552100, MONDO:0005835. Disease mechanism: loss of function.

Allele frequency attached by ClinVar (database versions not stated): gnomAD exomes below 0.00001 and 0.00001; ExAC 0.00001.
gnomAD v4.1: 3 of 1,609,034 alleles (0.00019%); highest among the groups gnomAD compares: Non-Finnish European, 0.00025%; no homozygotes.

Submissions (6):

Labcorp Genetics (formerly Invitae), Labcorp
Classification: Uncertain significance for Hereditary nonpolyposis colorectal neoplasms. Last evaluated: 2024-12-10. Review status: criteria provided, single submitter. Criteria: Invitae Variant Classification Sherloc (09022015). Collection method: clinical testing. Allele origin: germline.
Comment: This sequence change replaces histidine, which is basic and polar, with proline, which is neutral and non-polar, at codon 715 of the PMS2 protein (p.His715Pro). The frequency data for this variant in the population databases (gnomAD) is considered unreliable due to the presence of homologous sequence, such as pseudogenes or paralogs, in the genome. This variant has not been reported in the literature in individuals affected with PMS2-related conditions. ClinVar contains an entry for this variant (Variation ID: 935055). Invitae Evidence Modeling incorporating data from in vitro experimental studies (internal data) indicates that this missense variant is not expected to disrupt PMS2 function with a negative predictive value of 95%. In summary, the available evidence is currently insufficient to determine the role of this variant in disease. Therefore, it has been classified as a Variant of Uncertain Significance.

Hema, HEMA – Genetic and Molecular Diagnostic Laboratory
Classification: Uncertain significance for Lynch syndrome. Last evaluated: 2024-08-06. Review status: criteria provided, single submitter. Criteria: HEMA Variant Classification Assertion Criteria. Collection method: clinical testing. Allele origin: germline.
Comment: It is a transversion from thymine to guanine, resulting in the substitution of histidine 715 with proline in the PMS2 protein. PM2_Supporting: Present at very low frequency in gnomAD.

ARUP Laboratories, Molecular Genetics and Genomics, ARUP Laboratories
Classification: Uncertain significance. Last evaluated: 2023-06-14. Review status: criteria provided, single submitter. Criteria: ARUP Molecular Germline Variant Investigation Process 2024. Collection method: clinical testing. Allele origin: germline.
Comment: The PMS2 c.2144A>C; p.His715Pro variant (rs773913260), to our knowledge, is not reported in the medical literature but is reported in ClinVar (Variation ID: 935055). This variant is only observed on one allele in the Genome Aggregation Database, indicating it is not a common polymorphism. Computational analyses are uncertain whether this variant is neutral or deleterious (REVEL: 0.672). Due to limited information, the clinical significance of this variant is uncertain at this time.

GeneDx
Classification: Uncertain significance. Last evaluated: 2022-10-28. Review status: criteria provided, single submitter. Criteria: GeneDx Variant Classification Process June 2021. Collection method: clinical testing. Allele origin: germline. Affected: yes.
Comment: Not observed at significant frequency in large population cohorts (gnomAD); In silico analysis supports that this missense variant has a deleterious effect on protein structure/function; Has not been previously published as pathogenic or benign to our knowledge; This variant is associated with the following publications: (PMID: Fukui2011[Chapter])

Color Diagnostics, LLC DBA Color Health
Classification: Uncertain significance for Hereditary cancer-predisposing syndrome. Last evaluated: 2022-05-24. Review status: criteria provided, single submitter. Criteria: ACMG Guidelines, 2015. Collection method: clinical testing. Allele origin: germline.
Comment: This missense variant replaces histidine with proline at codon 715 of the PMS2 protein. Computational prediction is inconclusive regarding the impact of this variant on protein structure and function (internally defined REVEL score threshold 0.5 < inconclusive < 0.7, PMID: 27666373). To our knowledge, functional studies have not been reported for this variant. This variant has not been reported in individuals affected with hereditary cancer in the literature. This variant has been identified in 1/238398 chromosomes in the general population by the Genome Aggregation Database (gnomAD). The available evidence is insufficient to determine the role of this variant in disease conclusively. Therefore, this variant is classified as a Variant of Uncertain Significance.

Ambry Genetics
Classification: Uncertain significance for Hereditary cancer-predisposing syndrome. Last evaluated: 2020-10-13. Review status: criteria provided, single submitter. Criteria: Ambry Variant Classification Scheme 2023. Collection method: clinical testing. Allele origin: germline.
Comment: The p.H715P variant (also known as c.2144A>C), located in coding exon 12 of the PMS2 gene, results from an A to C substitution at nucleotide position 2144. The histidine at codon 715 is replaced by proline, an amino acid with similar properties. This amino acid position is well conserved in available vertebrate species. In addition, the in silico prediction for this alteration is inconclusive. Since supporting evidence is limited at this time, the clinical significance of this alteration remains unclear.

NM_000535.7(PMS2):c.2144A>C (p.His715Pro)

Gene: PMS2 (PMS1 homolog 2, mismatch repair system component; minus strand). Cytogenetic location: 7p22.1.
Variant type: single nucleotide variant.
Coding change: c.2144A>C on transcript NM_000535.7 (MANE Select); coding-DNA position 2144, A replaced by C.
Protein change: p.His715Pro; replaces histidine 715 with proline.
Molecular consequence: missense variant. On other transcripts: non-coding transcript variant (1).
Genome position (GRCh38, 1-based): chr7:5,982,854, T>G on the plus strand (A>C on the coding strand, the complement: PMS2 is on the minus strand). VCF-style: chr7-5982854-T-G. GRCh37 (hg19) VCF-style: chr7-6022485-T-G.
Other names: c.1739A>C, p.His580Pro (NM_001322003.2, NM_001322004.2, NM_001322005.2 and 1 more transcripts); c.1988A>C, p.His663Pro (NM_001322006.2); c.1826A>C, p.His609Pro (NM_001322007.2, NM_001322008.2); c.1583A>C, p.His528Pro (NM_001322010.2); c.1211A>C, p.His404Pro (NM_001322011.2, NM_001322012.2); c.1571A>C, p.His524Pro (NM_001322013.2); c.2144A>C, p.His715Pro (NM_001322014.2); c.1835A>C, p.His612Pro (NM_001322015.2); short protein forms H580P, H612P, H524P, H404P, H528P, H715P, H609P, H663P.
Identifiers: ClinVar variation 935055 (VCV000935055.16), dbSNP rs773913260, ClinGen allele CA046713.
Genomic context (GRCh38, chr7:5,982,854, plus strand): 5'-AGTCTGGGAATGAACACTAAACACACTCACGCTATGAGCCTCTGCCCCTGGAGCACGGTG[T>G]GCTGCTGCAGCATCTCGAAGTTATACTTCTCGTCCGTGGCATGCTGGTCCACTATGAAGA-3'
Protein context (NP_000526.2, residues 705-725): EKYNFEMLQQ[His715Pro]TVLQGQRLIA